The following is an entry in ClinVar:

NM_001297.5(CNGB1):c.185A>G (p.Glu62Gly)

Gene: CNGB1 (cyclic nucleotide gated channel subunit beta 1; minus strand). Cytogenetic location: 16q21.
Variant type: single nucleotide variant.
Coding change: c.185A>G on transcript NM_001297.5 (MANE Select); coding-DNA position 185, A replaced by G.
Protein change: p.Glu62Gly; replaces glutamic acid 62 with glycine.
Molecular consequence: missense variant.
Genome position (GRCh38, 1-based): chr16:57,964,519, T>C on the plus strand (A>G on the coding strand, the complement: CNGB1 is on the minus strand). VCF-style: chr16-57964519-T-C. GRCh37 (hg19) VCF-style: chr16-57998423-T-C.
Other names: c.185A>G, p.Glu62Gly (NM_001135639.2, NM_001286130.2); short protein forms E62G.
Identifiers: ClinVar variation 955722 (VCV000955722.9), dbSNP rs1962341944, ClinGen allele CA396080581.

ClinVar aggregate classification (germline): Uncertain significance (1 of 4 stars; one submission).

Allele frequency attached by ClinVar (database versions not stated): TOPMed below 0.00001.

Submission:

Labcorp Genetics (formerly Invitae), Labcorp
Classification: Uncertain significance. Last evaluated: 2022-08-06. Review status: criteria provided, single submitter. Criteria: Invitae Variant Classification Sherloc (09022015). Collection method: clinical testing. Allele origin: germline.
Comment: Advanced modeling of protein sequence and biophysical properties (such as structural, functional, and spatial information, amino acid conservation, physicochemical variation, residue mobility, and thermodynamic stability) performed at Invitae indicates that this missense variant is not expected to disrupt CNGB1 protein function. In summary, the available evidence is currently insufficient to determine the role of this variant in disease. Therefore, it has been classified as a Variant of Uncertain Significance. Algorithms developed to predict the effect of sequence changes on RNA splicing suggest that this variant may disrupt the consensus splice site. ClinVar contains an entry for this variant (Variation ID: 955722). This variant has not been reported in the literature in individuals affected with CNGB1-related conditions. This variant is not present in population databases (gnomAD no frequency). This sequence change replaces glutamic acid, which is acidic and polar, with glycine, which is neutral and non-polar, at codon 62 of the CNGB1 protein (p.Glu62Gly).